The following is an entry in ClinVar:

NM_015386.3(COG4):c.2358G>C (p.Arg786Ser)

Gene: COG4 (component of oligomeric golgi complex 4; minus strand). Cytogenetic location: 16q22.1.
Variant type: single nucleotide variant.
Coding change: c.2358G>C on transcript NM_015386.3 (MANE Select); coding-DNA position 2358, G replaced by C.
Protein change: p.Arg786Ser; replaces arginine 786 with serine.
Molecular consequence: missense variant. On other transcripts: non-coding transcript variant (1).
Genome position (GRCh38, 1-based): chr16:70,481,022, C>G on the plus strand (G>C on the coding strand, the complement: COG4 is on the minus strand). VCF-style: chr16-70481022-C-G. GRCh37 (hg19) VCF-style: chr16-70514925-C-G.
Other names: c.2283G>C, p.Arg761Ser (NM_001195139.2); c.1932G>C, p.Arg644Ser (NM_001365426.1); short protein forms R644S, R761S, R786S.
Identifiers: ClinVar variation 1470748 (VCV001470748.30), dbSNP rs760163512, ClinGen allele CA8143957.
Genomic context (GRCh38, chr16:70,481,022, plus strand): 5'-GGGAACAGGCCTGCAAGTGTGATGAGCCAGGTGTGCTCATCCAGGCAGCTACAGGCGCAG[C>G]CTCTTGATATCTTCACTGCGGAAGTCTATCCGCAGGGCCAGCACCTGGCGCACTTCAGCA-3'
Protein context (NP_056201.2, residues 776-789): RIDFRSEDIK[Arg786Ser]LRL

ClinVar aggregate classification (germline): Uncertain significance. Review status: criteria provided, multiple submitters, no conflicts (2 of 4 stars). 2 submissions from 2 submitters: Uncertain significance (2). Last evaluated 2025-10-13.

Conditions:
COG4-congenital disorder of glycosylation. Also called: CONGENITAL DISORDER OF GLYCOSYLATION, TYPE IIj; CDG IIj; COG4-CDG. Identifiers: Orphanet 263501, MedGen C4303552, MONDO:0013281, OMIM 613489.

Allele frequency attached by ClinVar (database versions not stated): ExAC 0.00001; gnomAD exomes 0.00001; TOPMed 0.00001.
gnomAD v4.1: 18 of 1,612,808 alleles (0.0011%); highest among the groups gnomAD compares: Non-Finnish European, 0.0015%; no homozygotes.

Submissions (2):

Labcorp Genetics (formerly Invitae), Labcorp
Classification: Uncertain significance for COG4-congenital disorder of glycosylation. Last evaluated: 2025-10-13. Review status: criteria provided, single submitter. Criteria: Invitae Variant Classification Sherloc (09022015). Collection method: clinical testing. Allele origin: germline.
Comment: This sequence change replaces arginine, which is basic and polar, with serine, which is neutral and polar, at codon 786 of the COG4 protein (p.Arg786Ser). This variant is present in population databases (rs760163512, gnomAD 0.002%). This variant has not been reported in the literature in individuals affected with COG4-related conditions. ClinVar contains an entry for this variant (Variation ID: 1470748). An algorithm developed to predict the effect of missense changes on protein structure and function (PolyPhen-2) suggests that this variant is likely to be disruptive. In summary, the available evidence is currently insufficient to determine the role of this variant in disease. Therefore, it has been classified as a Variant of Uncertain Significance.

CeGaT Center for Human Genetics Tuebingen
Classification: Uncertain significance. Last evaluated: 2022-03-01. Review status: criteria provided, single submitter. Criteria: CeGaT Center For Human Genetics Tuebingen Variant Classification Criteria Version 2. Collection method: clinical testing. Allele origin: germline. Affected: yes. Observed: 1 variant allele.